The following is an entry in ClinVar:

ClinVar aggregate classification (germline): Conflicting classifications of pathogenicity. Review status: criteria provided, conflicting classifications (1 of 4 stars). 3 submissions from 3 submitters: Likely pathogenic (1); Uncertain significance (1). 1 of the submissions does not count toward it. Last evaluated 2025-09-19.

Conditions:
Argininosuccinate lyase deficiency. Also called: ARGININOSUCCINIC ACID LYASE DEFICIENCY; ASL DEFICIENCY; Argininosuccinic aciduria. Identifiers: Orphanet 23, MedGen C0268547, MONDO:0008815, OMIM 207900, HP:0025630.

Submissions (3):

First Genomix Gene Laboratory, Genetic Diagnostics Department
Classification: Likely pathogenic for Argininosuccinate lyase deficiency. Last evaluated: 2025-09-19. Review status: criteria provided, single submitter. Criteria: ACMG Guidelines, 2015. Collection method: clinical testing. Allele origin: germline. Inheritance: Autosomal recessive inheritance. Affected: no. Observed: 1 variant allele.

Fulgent Genetics
Classification: Uncertain significance for Argininosuccinate lyase deficiency. Last evaluated: 2021-08-20. Review status: criteria provided, single submitter. Criteria: ACMG Guidelines, 2015. Collection method: clinical testing. Allele origin: unknown.

Counsyl
Classification: Uncertain significance for Argininosuccinate lyase deficiency. Last evaluated: 2017-08-25. Review status: no assertion criteria provided. Collection method: clinical testing. Allele origin: unknown. Not counted in ClinVar's aggregate classification.

Literature cited by the submitters: PubMed 24166829 (cited by Counsyl).

NM_000048.4(ASL):c.916C>T (p.Arg306Trp)

Gene: ASL (argininosuccinate lyase; plus strand). Cytogenetic location: 7q11.21.
Variant type: single nucleotide variant.
Coding change: c.916C>T on transcript NM_000048.4 (MANE Select); coding-DNA position 916, C replaced by T.
Protein change: p.Arg306Trp; replaces arginine 306 with tryptophan.
Molecular consequence: missense variant.
Genome position (GRCh38, 1-based): chr7:66,089,173, C>T. VCF-style: chr7-66089173-C-T. GRCh37 (hg19) VCF-style: chr7-65554160-C-T.
Other names: c.916C>T, p.Arg306Trp (NM_001024943.2, NM_001024944.2); c.838C>T, p.Arg280Trp (NM_001024946.2); short protein forms R306W, R280W.
Identifiers: ClinVar variation 553483 (VCV000553483.3), dbSNP rs868834862, ClinGen allele CA159934193.